The following is an entry in ClinVar:

NM_004637.6(RAB7A):c.552C>T (p.Asn184=)

Genes: RAB7A (RAB7A, member RAS oncogene family; plus strand), LOC112872299 (Sharpr-MPRA regulatory region 6458; plus strand). Cytogenetic location: 3q21.3.
Variant type: single nucleotide variant.
Coding change: c.552C>T on transcript NM_004637.6 (MANE Select); coding-DNA position 552, C replaced by T.
Protein change: p.Asn184=; no amino-acid change (asparagine 184 retained).
Molecular consequence: synonymous variant.
Genome position (GRCh38, 1-based): chr3:128,813,350, C>T. VCF-style: chr3-128813350-C-T. GRCh37 (hg19) VCF-style: chr3-128532193-C-T.
Identifiers: ClinVar variation 343160 (VCV000343160.18), dbSNP rs143140848, ClinGen allele CA2600881.

ClinVar aggregate classification (germline): Likely benign. Review status: criteria provided, multiple submitters, no conflicts (2 of 4 stars). 4 submissions from 4 submitters: Likely benign (3). 1 of the submissions does not count toward it. Last evaluated 2026-01-28.

Conditions:
Inborn genetic diseases. Identifiers: MedGen C0950123, MeSH D030342.
Charcot-Marie-Tooth disease type 2B (CMT2B). Also called: HEREDITARY MOTOR AND SENSORY NEUROPATHY IIB; Charcot-Marie-Tooth Neuropathy Type 2B; CHARCOT-MARIE-TOOTH DISEASE, AXONAL, TYPE 2B; CHARCOT-MARIE-TOOTH DISEASE, AUTOSOMAL DOMINANT, TYPE 2B. Identifiers: Orphanet 99936, MedGen C1833219, MONDO:0010949, OMIM 600882.
RAB7A-related disorder. Also called: RAB7A-related condition.

Allele frequency attached by ClinVar (database versions not stated): gnomAD 0.00009 and 0.00011; TOPMed 0.00014; ESP Exome Variant Server 0.00015.
gnomAD v4.1: 68 of 1,614,070 alleles (0.0042%); highest among the groups gnomAD compares: Middle Eastern, 0.066%; no homozygotes.

Submissions (4):

Labcorp Genetics (formerly Invitae), Labcorp
Classification: Likely benign for Charcot-Marie-Tooth disease type 2B. Last evaluated: 2026-01-28. Review status: criteria provided, single submitter. Criteria: Invitae Variant Classification Sherloc (09022015). Collection method: clinical testing. Allele origin: germline.

Ambry Genetics
Classification: Likely benign for Inborn genetic diseases. Last evaluated: 2019-07-11. Review status: criteria provided, single submitter. Criteria: Ambry Variant Classification Scheme 2023. Collection method: clinical testing. Allele origin: germline.

Illumina Laboratory Services, Illumina
Classification: Likely benign for Charcot-Marie-Tooth disease type 2B. Last evaluated: 2018-01-13. Review status: criteria provided, single submitter. Criteria: ICSL Variant Classification Criteria 13 December 2019. Collection method: clinical testing. Allele origin: germline.
Comment: This variant was observed in the ICSL laboratory as part of a predisposition screen in an ostensibly healthy population. It had not been previously curated by ICSL or reported in the Human Gene Mutation Database (HGMD: prior to June 1st, 2018), and was therefore a candidate for classification through an automated scoring system. Utilizing variant allele frequency, disease prevalence and penetrance estimates, and inheritance mode, an automated score was calculated to assess if this variant is too frequent to cause the disease. Based on the score and internal cut-off values, a variant classified as likely benign is not then subjected to further curation. The score for this variant resulted in a classification of likely benign for this disease.

PreventionGenetics, part of Exact Sciences
Classification: Likely benign for RAB7A-related condition. Last evaluated: 2019-02-26. Review status: no assertion criteria provided. Collection method: clinical testing. Allele origin: germline. Not counted in ClinVar's aggregate classification.
Comment: This variant is classified as likely benign based on ACMG/AMP sequence variant interpretation guidelines (Richards et al. 2015 PMID: 25741868, with internal and published modifications).